The following is an entry in ClinVar:

NM_014317.5(PDSS1):c.622G>T (p.Gly208Ter)

Gene: PDSS1 (decaprenyl diphosphate synthase subunit 1; plus strand). Cytogenetic location: 10p12.1.
Variant type: single nucleotide variant.
Coding change: c.622G>T on transcript NM_014317.5 (MANE Select); coding-DNA position 622, G replaced by T.
Protein change: p.Gly208Ter; replaces glycine 208 with a stop codon.
Molecular consequence: nonsense.
Genome position (GRCh38, 1-based): chr10:26,723,818, G>T. VCF-style: chr10-26723818-G-T. GRCh37 (hg19) VCF-style: chr10-27012747-G-T.
Other names: c.622G>T, p.Gly208Ter (NM_001321978.2); c.112G>T, p.Gly38Ter (NM_001321979.2); short protein forms G208*, G38*.
Identifiers: ClinVar variation 3338756 (VCV003338756.1).

ClinVar aggregate classification (germline): Likely pathogenic (1 of 4 stars; one submission).

Submission:

GeneDx
Classification: Likely pathogenic. Last evaluated: 2024-02-06. Review status: criteria provided, single submitter. Criteria: GeneDx Variant Classification Process June 2021. Collection method: clinical testing. Allele origin: germline. Affected: yes.
Comment: Has not been previously published as pathogenic or benign to our knowledge; Nonsense variant predicted to result in protein truncation or nonsense mediated decay in a gene for which loss of function is a known mechanism of disease; Not observed at significant frequency in large population cohorts (gnomAD)